The following is an entry in ClinVar:

NM_002907.4(RECQL):c.1402T>C (p.Ser468Pro)

Gene: RECQL (RecQ like helicase; minus strand). Cytogenetic location: 12p12.1.
Variant type: single nucleotide variant.
Coding change: c.1402T>C on transcript NM_002907.4 (MANE Select); coding-DNA position 1402, T replaced by C.
Protein change: p.Ser468Pro; replaces serine 468 with proline.
Molecular consequence: missense variant.
Genome position (GRCh38, 1-based): chr12:21,473,596, A>G on the plus strand (T>C on the coding strand, the complement: RECQL is on the minus strand). VCF-style: chr12-21473596-A-G. GRCh37 (hg19) VCF-style: chr12-21626530-A-G.
Other names: c.1402T>C, p.Ser468Pro (NM_032941.3); short protein forms S468P.
Identifiers: ClinVar variation 4152332 (VCV004152332.1).

ClinVar aggregate classification (germline): Uncertain significance (1 of 4 stars; one submission).

Submission:

Ambry Genetics
Classification: Uncertain significance. Last evaluated: 2025-09-12. Review status: criteria provided, single submitter. Criteria: Ambry Variant Classification Scheme 2023. Collection method: clinical testing. Allele origin: germline.
Comment: The p.S468P variant (also known as c.1402T>C), located in coding exon 11 of the RECQL gene, results from a T to C substitution at nucleotide position 1402. The serine at codon 468 is replaced by proline, an amino acid with similar properties. This amino acid position is conserved. In addition, this alteration is predicted to be tolerated by in silico analysis. Based on the available evidence, the clinical significance of this variant remains unclear.